The following is an entry in ClinVar:

ClinVar aggregate classification (germline): Uncertain significance (1 of 4 stars; one submission).

Conditions:
Hypertrophic cardiomyopathy. Also called: HYPERTROPHIC MYOCARDIOPATHY. Identifiers: Orphanet 217569, MedGen C0007194, MeSH D002312, MONDO:0005045, HP:0001639.

Submission:

Labcorp Genetics (formerly Invitae), Labcorp
Classification: Uncertain significance for Hypertrophic cardiomyopathy. Last evaluated: 2024-12-16. Review status: criteria provided, single submitter. Criteria: Invitae Variant Classification Sherloc (09022015). Collection method: clinical testing. Allele origin: germline.
Comment: This variant, c.4679_4681del, is a complex sequence change that results in the deletion of 2 and insertion of 1 amino acid(s) in the MYH7 protein (p.Arg1560_Ala1561delinsPro). This variant is not present in population databases (gnomAD no frequency). This variant has not been reported in the literature in individuals affected with MYH7-related conditions. Experimental studies and prediction algorithms are not available or were not evaluated, and the functional significance of this variant is currently unknown. In summary, the available evidence is currently insufficient to determine the role of this variant in disease. Therefore, it has been classified as a Variant of Uncertain Significance.

NM_000257.4(MYH7):c.4679_4681del (p.Arg1560_Ala1561delinsPro)

Genes: MHRT (myosin heavy chain associated RNA transcript; plus strand), MYH7 (myosin heavy chain 7; minus strand), LOC126861897 (BRD4-independent group 4 enhancer GRCh37_chr14:23884455-23885654; plus strand). Cytogenetic location: 14q11.2.
Variant type: Deletion.
Coding change: c.4679_4681del on transcript NM_000257.4 (MANE Select); coding-DNA positions 4679 to 4681, 3 bases deleted (GGG; older notation c.4679_4681delGGG).
Protein change: p.Arg1560_Ala1561delinsPro.
Molecular consequence: inframe indel. On other transcripts: non-coding transcript variant (1).
Genome position (GRCh38, 1-based): chr14:23,416,276-23,416,278, CCC deleted on the plus strand (GGG on the coding strand, the reverse complement: MYH7 is on the minus strand). VCF-style (leftmost placement, unchanged base first): chr14-23416275-GCCC-G. GRCh37 (hg19) VCF-style: chr14-23885484-GCCC-G.
Other names: c.4679_4681del, p.Arg1560_Ala1561delinsPro (NM_001407004.1).
Identifiers: ClinVar variation 3727328 (VCV003727328.2).